The following is an entry in ClinVar:

ClinVar aggregate classification (germline): Uncertain significance. Review status: criteria provided, multiple submitters, no conflicts (2 of 4 stars). 2 submissions from 2 submitters: Uncertain significance (2). Last evaluated 2023-06-24.

Conditions:
Cognitive impairment - coarse facies - heart defects - obesity - pulmonary involvement - short stature - skeletal dysplasia syndrome. Also called: Chops syndrome; COGNITIVE IMPAIRMENT, COARSE FACIES, HEART DEFECTS, OBESITY, PULMONARY INVOLVEMENT, SHORT STATURE, AND SKELETAL DYSPLASIA; AFF4-Related CHOPS Syndrome. Identifiers: Orphanet 444077, MedGen C4085597, MONDO:0014609, OMIM 616368.

Submissions (2):

Labcorp Genetics (formerly Invitae), Labcorp
Classification: Uncertain significance for Cognitive impairment - coarse facies - heart defects - obesity - pulmonary involvement - short stature - skeletal dysplasia syndrome. Last evaluated: 2023-06-24. Review status: criteria provided, single submitter. Criteria: Invitae Variant Classification Sherloc (09022015). Collection method: clinical testing. Allele origin: germline.
Comment: In summary, the available evidence is currently insufficient to determine the role of this variant in disease. Therefore, it has been classified as a Variant of Uncertain Significance. Variants that disrupt the consensus splice site are a relatively common cause of aberrant splicing (PMID: 17576681, 9536098). Algorithms developed to predict the effect of sequence changes on RNA splicing suggest that this variant is not likely to affect RNA splicing. ClinVar contains an entry for this variant (Variation ID: 974988). This variant has not been reported in the literature in individuals affected with AFF4-related conditions. This variant is not present in population databases (gnomAD no frequency). This sequence change falls in intron 7 of the AFF4 gene. It does not directly change the encoded amino acid sequence of the AFF4 protein. It affects a nucleotide within the consensus splice site.

Women's Health and Genetics/Laboratory Corporation of America, LabCorp
Classification: Uncertain significance. Last evaluated: 2020-07-17. Review status: criteria provided, single submitter. Criteria: LabCorp Variant Classification Summary - May 2015. Collection method: clinical testing. Allele origin: germline.
Comment: Variant summary: AFF4 c.1133+3A>G alters a conserved nucleotide located close to a canonical splice site and therefore could affect mRNA splicing, leading to a significantly altered protein sequence. 4/4 computational tools predict no significant impact on normal splicing. However, these predictions have yet to be confirmed by functional studies. The variant was absent in 250978 control chromosomes. The available data on variant occurrences in the general population are insufficient to allow any conclusion about variant significance. To our knowledge, no occurrence of c.1133+3A>G in individuals affected with Chops Syndrome and no experimental evidence demonstrating its impact on protein function have been reported. No clinical diagnostic laboratories have submitted clinical-significance assessments for this variant to ClinVar after 2014. Based on the evidence outlined above, the variant was classified as uncertain significance.

Literature cited by the submitters: PubMed 17576681 (cited by Labcorp Genetics (formerly Invitae), Labcorp); PubMed 9536098 (cited by Labcorp Genetics (formerly Invitae), Labcorp).

NM_014423.4(AFF4):c.1133+3A>G

Gene: AFF4 (ALF transcription elongation factor 4; minus strand). Cytogenetic location: 5q31.1.
Variant type: single nucleotide variant.
Coding change: c.1133+3A>G on transcript NM_014423.4 (MANE Select); 3 bases into the intron after coding-DNA position 1133, A replaced by G.
Molecular consequence: intron variant.
Genome position (GRCh38, 1-based): chr5:132,902,439, T>C on the plus strand (A>G on the coding strand, the complement: AFF4 is on the minus strand). VCF-style: chr5-132902439-T-C. GRCh37 (hg19) VCF-style: chr5-132238131-T-C.
Identifiers: ClinVar variation 974988 (VCV000974988.7), dbSNP rs1760573869, ClinGen allele CA1139659062.